The following is an entry in ClinVar:

ClinVar aggregate classification (germline): Likely pathogenic (1 of 4 stars; one submission).

gnomAD v4.1: 1 of 1,613,772 alleles (0.000062%); highest among the groups gnomAD compares: Admixed American, 0.0017%; no homozygotes.

Submission:

Labcorp Genetics (formerly Invitae), Labcorp
Classification: Likely pathogenic. Last evaluated: 2025-01-13. Review status: criteria provided, single submitter. Criteria: Invitae Variant Classification Sherloc (09022015). Collection method: clinical testing. Allele origin: germline.
Comment: This sequence change affects a donor splice site in intron 14 of the TRPM6 gene. It is expected to disrupt RNA splicing. Variants that disrupt the donor or acceptor splice site typically lead to a loss of protein function (PMID: 16199547), and loss-of-function variants in TRPM6 are known to be pathogenic (PMID: 16107578). This variant is present in population databases (no rsID available, gnomAD 0.003%). This variant has not been reported in the literature in individuals affected with TRPM6-related conditions. Algorithms developed to predict the effect of sequence changes on RNA splicing suggest that this variant may disrupt the consensus splice site. In summary, the currently available evidence indicates that the variant is pathogenic, but additional data are needed to prove that conclusively. Therefore, this variant has been classified as Likely Pathogenic.

Literature cited by the submitters: PubMed 16199547; PubMed 16107578.

NM_017662.5(TRPM6):c.1638+1G>A

Gene: TRPM6 (transient receptor potential cation channel subfamily M member 6; minus strand). Cytogenetic location: 9q21.13.
Variant type: single nucleotide variant.
Coding change: c.1638+1G>A on transcript NM_017662.5 (MANE Select); the canonical splice donor site of the intron after coding-DNA position 1638, G replaced by A.
Molecular consequence: splice donor variant.
Genome position (GRCh38, 1-based): chr9:74,808,033, C>T on the plus strand (G>A on the coding strand, the complement: TRPM6 is on the minus strand). VCF-style: chr9-74808033-C-T. GRCh37 (hg19) VCF-style: chr9-77422949-C-T.
Other names: c.1623+1G>A (NM_001177310.2, NM_001177311.2).
Identifiers: ClinVar variation 3679626 (VCV003679626.2).